The following is an entry in ClinVar:

ClinVar aggregate classification (germline): Likely benign. Review status: criteria provided, multiple submitters, no conflicts (2 of 4 stars). 2 submissions from 2 submitters: Likely benign (2). Last evaluated 2022-10-01.

Allele frequency attached by ClinVar (database versions not stated): 1000 Genomes Project 0.00020; 1000 Genomes Project 30x 0.00031; gnomAD exomes 0.00067 and 0.00104; TOPMed 0.00067; gnomAD 0.00068 and 0.00071; ExAC 0.00069; ESP Exome Variant Server 0.00076.
gnomAD v4.1: 1,594 of 1,608,604 alleles (0.099%); highest among the groups gnomAD compares: Non-Finnish European, 0.13%; 5 homozygotes.

Submissions (2):

CeGaT Center for Human Genetics Tuebingen
Classification: Likely benign. Last evaluated: 2022-10-01. Review status: criteria provided, single submitter. Criteria: CeGaT Center For Human Genetics Tuebingen Variant Classification Criteria Version 2. Collection method: clinical testing. Allele origin: germline. Affected: yes. Observed: 2 variant alleles.
Comment: PTPN13: BP4, BP7

Labcorp Genetics (formerly Invitae), Labcorp
Classification: Likely benign. Last evaluated: 2018-05-30. Review status: criteria provided, single submitter. Criteria: Invitae Variant Classification Sherloc (09022015). Collection method: clinical testing. Allele origin: germline.

NM_080683.3(PTPN13):c.7368A>G (p.Gln2456=)

Gene: PTPN13 (protein tyrosine phosphatase non-receptor type 13; plus strand). Cytogenetic location: 4q21.3.
Variant type: single nucleotide variant.
Coding change: c.7368A>G on transcript NM_080683.3 (MANE Select); coding-DNA position 7368, A replaced by G.
Protein change: p.Gln2456=; no amino-acid change (glutamine 2456 retained).
Molecular consequence: synonymous variant.
Genome position (GRCh38, 1-based): chr4:86,814,461, A>G. VCF-style: chr4-86814461-A-G. GRCh37 (hg19) VCF-style: chr4-87735614-A-G.
Other names: c.7311A>G, p.Gln2437= (NM_006264.3); c.6795A>G, p.Gln2265= (NM_080684.3); c.7383A>G, p.Gln2461= (NM_080685.3).
Identifiers: ClinVar variation 720103 (VCV000720103.27), dbSNP rs201774157, ClinGen allele CA2997210.
Genomic context (GRCh38, chr4:86,814,461, plus strand): 5'-TATAATATTTACATTATACATCTAAAGTATTCTATCTCACTTTTTTTGGCCATAGGATCA[A>G]TATATTTTCTGCTATCAAGTCATCCTTTATGTCCTGACACGTCTTCAAGCAGAAGAAGAG-3'
Protein context (NP_542414.1, residues 2446-2466): QRHGMVQTED[Gln2456=]YIFCYQVILY